The following is an entry in ClinVar:

GRCh38/hg38 1p34.1(chr1:44713837-45282899)x3

Genes: ARMH1 (armadillo like helical domain containing 1; plus strand), BEST4 (bestrophin 4; minus strand), BTBD19 (BTB domain containing 19; plus strand), DYNLT4 (dynein light chain Tctex-type 4; minus strand), EIF2B3 (eukaryotic translation initiation factor 2B subunit gamma; minus strand) and 36 more. Cytogenetic location: 1p34.1.
Variant type: copy number gain.
Change: copy number 3 (three copies instead of two) of chr1:44,713,837-45,282,899 (569.1 kb, GRCh38 coordinates, 1-based), cytogenetic band 1p34.1.
Identifiers: ClinVar variation 57429 (VCV000057429.1).

ClinVar aggregate classification (germline): Uncertain significance (1 of 4 stars; one submission).

Submission:

ISCA site 4
Classification: Uncertain significance. Last evaluated: 2011-08-12. Review status: criteria provided, single submitter. Criteria: Kaminsky et al. (Genet Med. 2011). Collection method: clinical testing. Allele origin: unknown. Affected: yes. Observed: 1 variant allele.
Comment: Copy number variation identified through the course of routine clinical cytogenomic testing in postnatal populations. Clinical assertions have been curated as described in Kaminsky et al. 2011.